The following is an entry in ClinVar:

NM_003072.5(SMARCA4):c.105G>A (p.Ser35=)

Gene: SMARCA4 (SWI/SNF related BAF chromatin remodeling complex subunit ATPase 4; plus strand). Cytogenetic location: 19p13.2.
Variant type: single nucleotide variant.
Coding change: c.105G>A on transcript NM_003072.5 (MANE Select); coding-DNA position 105, G replaced by A.
Protein change: p.Ser35=; no amino-acid change (serine 35 retained).
Molecular consequence: synonymous variant. On other transcripts: non-coding transcript variant (1).
Genome position (GRCh38, 1-based): chr19:10,984,256, G>A. VCF-style: chr19-10984256-G-A. GRCh37 (hg19) VCF-style: chr19-11094932-G-A.
Other names: c.105G>A, p.Ser35= (NM_001128844.3, NM_001128845.2, NM_001128846.2 and 4 more transcripts).
Identifiers: ClinVar variation 706981 (VCV000706981.19), dbSNP rs762531687, ClinGen allele CA9203400.
Genomic context (GRCh38, chr19:10,984,256, plus strand): 5'-TCCTTCCCCGGGCCCTGGCCCTTCCCCTGGAGCCATGCTGGGCCCTAGCCCGGGTCCCTC[G>A]CCGGGCTCCGCCCACAGCATGATGGGGCCCAGCCCAGGGCCGCCCTCAGCAGGACACCCC-3'
Protein context (NP_003063.2, residues 25-45): GAMLGPSPGP[Ser35=]PGSAHSMMGP

ClinVar aggregate classification (germline): Benign/Likely benign. Review status: criteria provided, multiple submitters, no conflicts (2 of 4 stars). 4 submissions from 4 submitters: Benign (1); Likely benign (3). Last evaluated 2026-07-08.

Conditions:
Rhabdoid tumor predisposition syndrome 2 (RTPS2). Identifiers: Orphanet 231108, Orphanet 69077, MedGen C2750074, MONDO:0013224, OMIM 613325.
Hereditary cancer-predisposing syndrome. Also called: Hereditary neoplastic syndrome; Neoplastic Syndromes, Hereditary; Tumor predisposition; Hereditary Cancer Syndrome. Identifiers: Orphanet 140162, MedGen C0027672, MeSH D009386, MONDO:0015356.

Allele frequency attached by ClinVar (database versions not stated): ExAC 0.00001; gnomAD exomes below 0.00001; TOPMed 0.00001.
gnomAD v4.1: 10 of 1,611,396 alleles (0.00062%); highest among the groups gnomAD compares: South Asian, 0.0011%; no homozygotes.

Submissions (4):

Myriad Genetics, Inc.
Classification: Benign for Rhabdoid tumor predisposition syndrome 2. Last evaluated: 2026-07-08. Review status: criteria provided, single submitter. Criteria: Myriad Autosomal Dominant, Autosomal Recessive and X-Linked Classification Criteria (2023). Collection method: clinical testing. Allele origin: unknown.
Comment: This variant is considered benign. This variant is a silent/synonymous amino acid change and it is not expected to impact splicing.

Labcorp Genetics (formerly Invitae), Labcorp
Classification: Likely benign for Rhabdoid tumor predisposition syndrome 2. Last evaluated: 2025-08-11. Review status: criteria provided, single submitter. Criteria: Invitae Variant Classification Sherloc (09022015). Collection method: clinical testing. Allele origin: germline.

CeGaT Center for Human Genetics Tuebingen
Classification: Likely benign. Last evaluated: 2025-08-01. Review status: criteria provided, single submitter. Criteria: CeGaT Center For Human Genetics Tuebingen Variant Classification Criteria Version 2. Collection method: clinical testing. Allele origin: germline. Affected: yes. Observed: 2 variant alleles.
Comment: SMARCA4: BP4, BP7

Ambry Genetics
Classification: Likely benign for Hereditary cancer-predisposing syndrome. Last evaluated: 2018-08-24. Review status: criteria provided, single submitter. Criteria: Ambry Variant Classification Scheme 2023. Collection method: clinical testing. Allele origin: germline.